The following is an entry in ClinVar:

ClinVar aggregate classification (germline): Pathogenic (1 of 4 stars; one submission).

Submission:

Labcorp Genetics (formerly Invitae), Labcorp
Classification: Pathogenic. Last evaluated: 2021-11-05. Review status: criteria provided, single submitter. Criteria: Invitae Variant Classification Sherloc (09022015). Collection method: clinical testing. Allele origin: germline.
Comment: Algorithms developed to predict the effect of sequence changes on RNA splicing suggest that this variant may create or strengthen a splice site. For these reasons, this variant has been classified as Pathogenic. This variant has not been reported in the literature in individuals affected with ABCA1-related conditions. This variant is not present in population databases (gnomAD no frequency). This sequence change creates a premature translational stop signal (p.Tyr325*) in the ABCA1 gene. It is expected to result in an absent or disrupted protein product. Loss-of-function variants in ABCA1 are known to be pathogenic (PMID: 10525055, 10760292, 20880529).

Literature cited by the submitters: PubMed 10525055; PubMed 10760292; PubMed 20880529.

NM_005502.4(ABCA1):c.975del (p.Trp324_Tyr325insTer)

Gene: ABCA1 (ATP binding cassette subfamily A member 1; minus strand). Cytogenetic location: 9q31.1.
Variant type: Deletion.
Coding change: c.975del on transcript NM_005502.4 (MANE Select); coding-DNA position 975, one base deleted (T; older notation c.975delT).
Protein change: p.Trp324_Tyr325insTer.
Molecular consequence: nonsense.
Genome position (GRCh38, 1-based): chr9:104,840,358, A deleted on the plus strand (T on the coding strand, the reverse complement: ABCA1 is on the minus strand). VCF-style (leftmost placement, unchanged base first): chr9-104840357-CA-C. GRCh37 (hg19) VCF-style: chr9-107602638-CA-C.
Identifiers: ClinVar variation 1360777 (VCV001360777.6), dbSNP rs2119034662, ClinGen allele CA2573143711.
Genomic context (GRCh38, chr9:104,840,357, plus strand): 5'-AGGTTTCAGCATCTTCCTCAGTGCCATTGCCTCCAAAGAGGGCTTTGTAGTTGTTGTCCT[CA>C]TACCAGTTGAGAGACTTGATCTTCAGCCCCCCTCCCTCGGGATGCCCGCAGACAATACGA-3'